The following is an entry in ClinVar:

ClinVar aggregate classification (germline): Pathogenic. Review status: reviewed by expert panel (3 of 4 stars). 2 submissions from 2 submitters: Pathogenic (1). 1 of the submissions does not count toward it. Last evaluated 2026-03-02.

Conditions:
Mucopolysaccharidosis type 1. Also called: Mucopolysaccharidosis Type I; IDUA deficiency; MPS I. Identifiers: Orphanet 579, MedGen C0023786, MONDO:0001586.
Hurler syndrome. Also called: Gargoylism, Hurler Syndrome; MUCOPOLYSACCHARIDOSIS TYPE IH; Severe MPS I (Hurler Syndrome). Identifiers: Orphanet 93473, MedGen C0086795, MONDO:0011758, OMIM 607014.

Submissions (2):

ClinGen Lysosomal Storage Disorder Variant Curation Expert Panel
Classification: Pathogenic for Mucopolysaccharidosis type 1. Last evaluated: 2026-03-02. Review status: reviewed by expert panel. Criteria: ClinGen LSD ACMG Specifications IDUA V1.2.0. Collection method: curation. Allele origin: germline. Inheritance: Autosomal recessive inheritance.
Comment: The NM_000203.5:c.1591del (p.Arg531GlyfsTer29) variant in IDUA is a frameshift variant predicted to cause a premature stop codon in biologically-relevant-exon 11 out of 14, leading to nonsense-mediated decay in a gene in which loss-of-function is an established disease mechanism (PVS1). This variant has been seen in one individual with MPS Type 1 who was compound heterozygous for the variant and another variant in IDUA that has been classified as pathogenic by the ClinGen LD VCEP, c.613_617dup, though phase was not confirmed (PMID: 27520059)(PM3_Supporting). This individual had a specific phenotype for MPS Type I, including coarse facial features, corneal clouding and skeletal dysplasia: there was reduced IDUA enzyme activity and increased urinary glycosaminoglycans, though reference ranges were not provided (PP4). The variant is absent from gnomAD v4.1.0 (PM2_Supporting). There is a ClinVar entry for this variant (Variation ID: 556184). In summary, this variant meets the criteria to be classified as pathogenic for MPS I based on the IDUA-specific ACMG/AMP criteria applied, as specified by the ClinGen Lysosomal Diseases Variant Curation Expert Panel (specifications Version 1.2.0): PVS1, PM2_Supporting, PM3_Supporting, PP4. (Classification approved by the ClinGen Lysosomal Diseases Variant Curation Expert Panel on March 2, 2026).

Counsyl
Classification: Likely pathogenic for Hurler syndrome. Last evaluated: 2018-01-17. Review status: no assertion criteria provided. Collection method: clinical testing. Allele origin: unknown. Not counted in ClinVar's aggregate classification.

Literature cited by the submitters: PubMed 27520059 (cited by Counsyl).

NM_000203.5(IDUA):c.1591del (p.Arg531fs)

Gene: IDUA (alpha-L-iduronidase; plus strand). Cytogenetic location: 4p16.3.
Variant type: Deletion.
Coding change: c.1591del on transcript NM_000203.5 (MANE Select); coding-DNA position 1591, one base deleted (C; older notation c.1591delC).
Protein change: p.Arg531fs; shifts the reading frame from arginine 531.
Molecular consequence: frameshift variant. On other transcripts: non-coding transcript variant (1).
Genome position (GRCh38, 1-based): chr4:1,003,411, C deleted. VCF-style (leftmost placement, unchanged base first): chr4-1003410-GC-G. GRCh37 (hg19) VCF-style: chr4-997198-GC-G.
Other names: NM_000203.5(IDUA):c.1591del; p.Arg531fs; c.1195del, p.Arg399fs (NM_001363576.1); short protein forms R399fs, R531fs.
Identifiers: ClinVar variation 556184 (VCV000556184.2), dbSNP rs1553917558, ClinGen allele CA658823295.
Genomic context (GRCh38, chr4:1,003,410, plus strand): 5'-GGTGGCCGCGGCGCCCCGCCCCTTACCCGCCGGCGGCCGCCTGACCCTGCGCCCCGCGCT[GC>G]GGCTGCCGTCGCTTTTGCTGGTGCACGTGTGTGCGCGCCCCGAGAAGCCGCCCGGGCAGG-3'